The following is an entry in ClinVar:

NM_006767.4(LZTR1):c.2174G>A (p.Arg725His)

Gene: LZTR1 (leucine zipper like post translational regulator 1; plus strand). Cytogenetic location: 22q11.21.
Variant type: single nucleotide variant.
Coding change: c.2174G>A on transcript NM_006767.4 (MANE Select); coding-DNA position 2174, G replaced by A.
Protein change: p.Arg725His; replaces arginine 725 with histidine.
Molecular consequence: missense variant.
Genome position (GRCh38, 1-based): chr22:20,996,067, G>A. VCF-style: chr22-20996067-G-A. GRCh37 (hg19) VCF-style: chr22-21350356-G-A.
Other names: short protein forms R725H.
Identifiers: ClinVar variation 1311166 (VCV001311166.10), dbSNP rs752191147, ClinGen allele CA10119266.

ClinVar aggregate classification (germline): Uncertain significance. Review status: criteria provided, multiple submitters, no conflicts (2 of 4 stars). 3 submissions from 3 submitters: Uncertain significance (3). Last evaluated 2025-01-20.

Conditions:
Cardiovascular phenotype. Identifiers: MedGen CN230736.
Hereditary cancer-predisposing syndrome. Also called: Tumor predisposition; Neoplastic Syndromes, Hereditary; Hereditary Cancer Syndrome; Hereditary neoplastic syndrome. Identifiers: Orphanet 140162, MedGen C0027672, MeSH D009386, MONDO:0015356.

Allele frequency attached by ClinVar (database versions not stated): gnomAD exomes below 0.00001; TOPMed below 0.00001; ExAC 0.00001; gnomAD 0.00002 and 0.00003.

Submissions (3):

Labcorp Genetics (formerly Invitae), Labcorp
Classification: Uncertain significance. Last evaluated: 2025-01-20. Review status: criteria provided, single submitter. Criteria: Invitae Variant Classification Sherloc (09022015). Collection method: clinical testing. Allele origin: germline.
Comment: This sequence change replaces arginine, which is basic and polar, with histidine, which is basic and polar, at codon 725 of the LZTR1 protein (p.Arg725His). This variant is present in population databases (rs752191147, gnomAD 0.005%). This variant has not been reported in the literature in individuals affected with LZTR1-related conditions. ClinVar contains an entry for this variant (Variation ID: 1311166). Invitae Evidence Modeling of protein sequence and biophysical properties (such as structural, functional, and spatial information, amino acid conservation, physicochemical variation, residue mobility, and thermodynamic stability) indicates that this missense variant is not expected to disrupt LZTR1 protein function with a negative predictive value of 80%. In summary, the available evidence is currently insufficient to determine the role of this variant in disease. Therefore, it has been classified as a Variant of Uncertain Significance.

Ambry Genetics
Classification: Uncertain significance for Cardiovascular phenotype; Hereditary cancer-predisposing syndrome. Last evaluated: 2024-10-29. Review status: criteria provided, single submitter. Criteria: Ambry Variant Classification Scheme 2023. Collection method: clinical testing. Allele origin: germline.
Comment: The p.R725H variant (also known as c.2174G>A), located in coding exon 18 of the LZTR1 gene, results from a G to A substitution at nucleotide position 2174. The arginine at codon 725 is replaced by histidine, an amino acid with highly similar properties. This amino acid position is conserved. In addition, this alteration is predicted to be deleterious by in silico analysis. Since supporting evidence is limited at this time, the clinical significance of this alteration remains unclear.

GeneDx
Classification: Uncertain significance. Last evaluated: 2022-12-28. Review status: criteria provided, single submitter. Criteria: GeneDx Variant Classification Process June 2021. Collection method: clinical testing. Allele origin: germline. Affected: yes.
Comment: In silico analysis supports that this missense variant has a deleterious effect on protein structure/function; Has not been previously published as pathogenic or benign to our knowledge